The following is an entry in ClinVar:

ClinVar aggregate classification (germline): Uncertain significance. Review status: criteria provided, multiple submitters, no conflicts (2 of 4 stars). 2 submissions from 2 submitters: Uncertain significance (2). Last evaluated 2026-08-04.

Conditions:
Inborn genetic diseases. Identifiers: MedGen C0950123, MeSH D030342.

Allele frequency attached by ClinVar (database versions not stated): ExAC 0.00002; ESP Exome Variant Server 0.00015.
gnomAD v4.1: 77 of 1,613,964 alleles (0.0048%); highest among the groups gnomAD compares: Non-Finnish European, 0.0064%; no homozygotes.

Submissions (2):

GeneDx
Classification: Uncertain significance. Last evaluated: 2026-08-04. Review status: criteria provided, single submitter. Criteria: GeneDx Variant Classification Process June 2021. Collection method: clinical testing. Allele origin: germline.
Comment: In silico analysis suggests that this missense variant does not alter protein structure/function; Has not been previously published as pathogenic or benign to our knowledge

Ambry Genetics
Classification: Uncertain significance for Inborn genetic diseases. Last evaluated: 2025-08-14. Review status: criteria provided, single submitter. Criteria: Ambry Variant Classification Scheme 2023. Collection method: clinical testing. Allele origin: germline.

NM_001376571.1(MADD):c.4930C>G (p.Pro1644Ala)

Gene: MADD (MAP kinase activating death domain; plus strand). Cytogenetic location: 11p11.2.
Variant type: single nucleotide variant.
Coding change: c.4930C>G on transcript NM_001376571.1 (MANE Select); coding-DNA position 4930, C replaced by G.
Protein change: p.Pro1644Ala; replaces proline 1644 with alanine.
Molecular consequence: missense variant. On other transcripts: 3 prime UTR variant (44), non-coding transcript variant (8).
Genome position (GRCh38, 1-based): chr11:47,329,127, C>G. VCF-style: chr11-47329127-C-G. GRCh37 (hg19) VCF-style: chr11-47350678-C-G.
Other names: c.4729C>G, p.Pro1577Ala (NM_001376595.1, NM_001376597.1); c.*105C>G (NM_001376596.1, NM_001376599.1, NM_001376600.1 and 41 more transcripts); c.4720C>G, p.Pro1574Ala (NM_001376598.1); c.4702C>G, p.Pro1568Ala (NM_001376602.1); c.4687C>G, p.Pro1563Ala (NM_001376603.1); c.4675C>G, p.Pro1559Ala (NM_001376604.1, NM_130471.3); c.4663C>G, p.Pro1555Ala (NM_001376607.1); c.4642C>G, p.Pro1548Ala (NM_001376611.1); and 32 more; short protein forms P1491A, P1501A, P1506A, P1508A, P1515A, P1529A, P1532A, P1537A.
Identifiers: ClinVar variation 2523974 (VCV002523974.5), dbSNP rs371641906, ClinGen allele CA5975338.
Genomic context (GRCh38, chr11:47,329,127, plus strand): 5'-GTATTATGTCTCTTCTCGTACGTGGCTGCAGTTCATAGCAGTGAGGAAGATCTCAGAACC[C>G]CGCCCCGGCCTGTCTCTAGCTGATGGAGAGGGGCTACGCAGCTGCCCCAGCCCAGGGCAC-3'
Protein context (NP_001363500.1, residues 1634-1650): VHSSEEDLRT[Pro1644Ala]PRPVSS